The following is an entry in ClinVar:

NM_001382567.1(STIM1):c.1213G>A (p.Val405Ile)

Gene: STIM1 (stromal interaction molecule 1; plus strand). Cytogenetic location: 11p15.4.
Variant type: single nucleotide variant.
Coding change: c.1213G>A on transcript NM_001382567.1 (MANE Select); coding-DNA position 1213, G replaced by A.
Protein change: p.Val405Ile; replaces valine 405 with isoleucine.
Molecular consequence: missense variant. On other transcripts: non-coding transcript variant (2).
Genome position (GRCh38, 1-based): chr11:4,082,957, G>A. VCF-style: chr11-4082957-G-A. GRCh37 (hg19) VCF-style: chr11-4104187-G-A.
Other names: c.1213G>A, p.Val405Ile (NM_001382568.1, NM_001277961.3, NM_001277962.2 and 1 more transcripts); c.1078G>A, p.Val360Ile (NM_001382569.1); c.985G>A, p.Val329Ile (NM_001382570.1); c.733G>A, p.Val245Ile (NM_001382571.1); c.991G>A, p.Val331Ile (NM_001382573.1, NM_001382575.1, NM_001382576.1 and 4 more transcripts); c.724G>A, p.Val242Ile (NM_001382580.1, NM_001382581.1); short protein forms V242I, V245I, V329I, V331I, V360I, V405I.
Identifiers: ClinVar variation 1714115 (VCV001714115.6), dbSNP rs2498473368, ClinGen allele CA379193882.

ClinVar aggregate classification (germline): Uncertain significance (1 of 4 stars; one submission).

Conditions:
Combined immunodeficiency due to STIM1 deficiency. Also called: STIM1 DEFICIENCY; IMMUNODEFICIENCY 10. Identifiers: Orphanet 169090, Orphanet 317430, MedGen C2748557, MONDO:0013008, OMIM 612783.
Myopathy with tubular aggregates (TAM). Also called: Tubular Aggregate Myopathy. Identifiers: Orphanet 2593, MedGen C0410207, MONDO:0008051.
Stormorken syndrome (STRMK). Also called: THROMBOCYTOPATHY, ASPLENIA, AND MIOSIS. Identifiers: Orphanet 3204, MedGen C1861451, MONDO:0008497, OMIM 185070.

Submission:

Labcorp Genetics (formerly Invitae), Labcorp
Classification: Uncertain significance for Myopathy with tubular aggregates; Combined immunodeficiency due to STIM1 deficiency; Stormorken syndrome. Last evaluated: 2022-10-17. Review status: criteria provided, single submitter. Criteria: Invitae Variant Classification Sherloc (09022015). Collection method: clinical testing. Allele origin: germline.
Comment: In summary, the available evidence is currently insufficient to determine the role of this variant in disease. Therefore, it has been classified as a Variant of Uncertain Significance. Algorithms developed to predict the effect of missense changes on protein structure and function (SIFT, PolyPhen-2, Align-GVGD) all suggest that this variant is likely to be disruptive. This variant has not been reported in the literature in individuals affected with STIM1-related conditions. This variant is not present in population databases (gnomAD no frequency). This sequence change replaces valine, which is neutral and non-polar, with isoleucine, which is neutral and non-polar, at codon 405 of the STIM1 protein (p.Val405Ile).